The following is an entry in ClinVar:

ClinVar aggregate classification (germline): Pathogenic (1 of 4 stars; one submission).

Conditions:
VPS13A-related neurodegenerative disease. Also called: ACANTHOCYTOSIS WITH NEUROLOGIC DISORDER; LEVINE-CRITCHLEY SYNDROME; Choreoacanthocytosis; Chorea-acanthocytosis; Choreaacanthocytosis; VPS13A Disease. Identifiers: Orphanet 2388, MedGen C0393576, MONDO:0008695, OMIM 200150.

Submission:

Myriad Genetics, Inc.
Classification: Pathogenic for VPS13A-related neurodegenerative disease. Last evaluated: 2023-08-23. Review status: criteria provided, single submitter. Criteria: Myriad Autosomal Dominant, Autosomal Recessive and X-Linked Classification Criteria (2023). Collection method: clinical testing. Allele origin: unknown.
Comment: NM_033305.2(VPS13A):c.8936del1ins11(V2979Dfs*21) is expected to be pathogenic in the context of VPS13A disease. This variant is predicted to lead to an abnormal or absent protein product due to the creation of a premature termination codon in VPS13A, a gene where loss-of-function variants are known to be pathogenic. Please note: this variant was assessed in the context of healthy population screening.

NM_033305.3(VPS13A):c.8936delinsACTGTCTCTTA (p.Val2979fs)

Gene: VPS13A (vacuolar protein sorting 13 homolog A; plus strand). Cytogenetic location: 9q21.2.
Variant type: Indel.
Coding change: c.8936delinsACTGTCTCTTA on transcript NM_033305.3 (MANE Select); coding-DNA position 8936, T replaced by ACTGTCTCTTA.
Protein change: p.Val2979fs; shifts the reading frame from valine 2979.
Molecular consequence: frameshift variant.
Genome position (GRCh38, 1-based): chr9:77,370,918, T replaced by ACTGTCTCTTA. VCF-style: chr9-77370918-T-ACTGTCTCTTA. GRCh37 (hg19) VCF-style: chr9-79985834-T-ACTGTCTCTTA.
Other names: c.8819delinsACTGTCTCTTA, p.Val2940fs (NM_001018037.2); c.8936delinsACTGTCTCTTA, p.Val2979fs (NM_001018038.3, NM_015186.4); short protein forms V2940fs, V2979fs.
Identifiers: ClinVar variation 5011464 (VCV005011464.1).